The following is an entry in ClinVar:

ClinVar aggregate classification (germline): Benign/Likely benign. Review status: criteria provided, multiple submitters, no conflicts (2 of 4 stars). 8 submissions from 8 submitters: Benign (4); Likely benign (2). 2 of the submissions do not count toward it. Last evaluated 2026-08-01.

Conditions:
Hypogonadotropic hypogonadism 16 with or without anosmia (HH16). Also called: HYPOGONADOTROPIC HYPOGONADISM 16 WITH ANOSMIA, SUSCEPTIBILITY TO. Identifiers: Orphanet 478, MedGen C3554021, MONDO:0013961, OMIM 614897.

Allele frequency attached by ClinVar (database versions not stated): gnomAD 0.01250 and 0.01256; ESP Exome Variant Server 0.01046; ExAC 0.01377; 1000 Genomes Project 0.00819; 1000 Genomes Project 30x 0.00843; TOPMed 0.01171; gnomAD exomes 0.01364 and 0.01733.
gnomAD v4.1: 27,068 of 1,613,444 alleles (1.7%); highest among the groups gnomAD compares: Non-Finnish European, 2%; 284 homozygotes.

Submissions (8):

CeGaT Center for Human Genetics Tuebingen
Classification: Benign. Last evaluated: 2026-08-01. Review status: criteria provided, single submitter. Criteria: CeGaT Center For Human Genetics Tuebingen Variant Classification Criteria Version 2. Collection method: clinical testing. Allele origin: germline. Affected: yes. Observed: 23 variant alleles.
Comment: SEMA3A: BS1, BS2

Women's Health and Genetics/Laboratory Corporation of America, LabCorp
Classification: Likely benign. Last evaluated: 2026-05-09. Review status: criteria provided, single submitter. Criteria: LabCorp Variant Classification Summary - May 2015. Collection method: clinical testing. Allele origin: germline.

Center for Genomics, Ann and Robert H. Lurie Children's Hospital of Chicago
Classification: Likely benign for Hypogonadotropic hypogonadism 16 with or without anosmia. Last evaluated: 2022-07-25. Review status: criteria provided, single submitter. Criteria: ACMG Guidelines, 2015. Collection method: clinical testing. Allele origin: germline.
Comment: This variant is present in the Genome Aggregation Database (Highest reported MAF: 2.0% [1382/68016] including 15 total homozygotes). This variant is present in ClinVar (Variation ID:39716). Evolutionary conservation and computational predictive tools suggest that this variant may not impact the protein. In summary, data on this variant suggests that this variant does not cause disease but requires further evidence. Therefore, this variant is classified as likely benign.

GeneDx
Classification: Benign. Last evaluated: 2019-09-20. Review status: criteria provided, single submitter. Criteria: GeneDx Variant Classification Process June 2021. Collection method: clinical testing. Allele origin: germline. Affected: yes.
Comment: This variant is associated with the following publications: (PMID: 22927827, 29255181, 30183078, 28334861, 23643381, 25077900, 21898659, 27884173, 25839327, 24522099, 24963029)

Laboratory for Molecular Medicine, Mass General Brigham Personalized Medicine
Classification: Benign. Last evaluated: 2016-03-29. Review status: criteria provided, single submitter. Criteria: LMM Criteria. Collection method: clinical testing. Allele origin: germline.
Comment: Variant identified in a genome or exome case(s) and assessed due to predicted null impact of the variant or pathogenic assertions in the literature or databases. Disclaimer: This variant has not undergone full assessment. The following are preliminary notes: Frequency

Breakthrough Genomics
Classification: Benign. Review status: criteria provided, single submitter. Criteria: ACMG Guidelines, 2015. Collection method: not provided. Allele origin: germline. Inheritance: Autosomal dominant inheritance. Affected: yes.

OMIM
Classification: risk factor for HYPOGONADOTROPIC HYPOGONADISM 16 WITH ANOSMIA, SUSCEPTIBILITY TO. Last evaluated: 2012-08-01. Review status: no assertion criteria provided. Collection method: literature only. Allele origin: germline. Not counted in ClinVar's aggregate classification.

UniProtKB/Swiss-Prot
No classification provided. Review status: no classification provided. Collection method: not provided. Allele origin: not provided. Not counted in ClinVar's aggregate classification.

Literature cited by the submitters: PubMed 22927827 (cited by OMIM).

NM_006080.3(SEMA3A):c.1303G>A (p.Val435Ile)

Gene: SEMA3A (semaphorin 3A; minus strand). Cytogenetic location: 7q21.11.
Variant type: single nucleotide variant.
Coding change: c.1303G>A on transcript NM_006080.3 (MANE Select); coding-DNA position 1303, G replaced by A.
Protein change: p.Val435Ile; replaces valine 435 with isoleucine.
Molecular consequence: missense variant.
Genome position (GRCh38, 1-based): chr7:84,005,396, C>T on the plus strand (G>A on the coding strand, the complement: SEMA3A is on the minus strand). VCF-style: chr7-84005396-C-T. GRCh37 (hg19) VCF-style: chr7-83634712-C-T.
Other names: short protein forms V435I.
Identifiers: ClinVar variation 39716 (VCV000039716.38), dbSNP rs147436181, ClinGen allele CA130481.